The following is an entry in ClinVar:

ClinVar aggregate classification (germline): Likely pathogenic (1 of 4 stars; one submission).

Conditions:
Baller-Gerold syndrome (BGS). Also called: CRANIOSYNOSTOSIS WITH RADIAL DEFECTS. Identifiers: Orphanet 1225, MedGen C0265308, MONDO:0009039, OMIM 218600.

gnomAD v4.1: 9 of 1,609,758 alleles (0.00056%); highest among the groups gnomAD compares: Non-Finnish European, 0.00076%; no homozygotes.

Submission:

Labcorp Genetics (formerly Invitae), Labcorp
Classification: Likely pathogenic for Baller-Gerold syndrome. Last evaluated: 2023-08-04. Review status: criteria provided, single submitter. Criteria: Invitae Variant Classification Sherloc (09022015). Collection method: clinical testing. Allele origin: germline.
Comment: Algorithms developed to predict the effect of sequence changes on RNA splicing suggest that this variant may disrupt the consensus splice site. In summary, the currently available evidence indicates that the variant is pathogenic, but additional data are needed to prove that conclusively. Therefore, this variant has been classified as Likely Pathogenic. ClinVar contains an entry for this variant (Variation ID: 528938). This variant has not been reported in the literature in individuals affected with RECQL4-related conditions. This variant is not present in population databases (gnomAD no frequency). This sequence change affects a donor splice site in intron 5 of the RECQL4 gene. It is expected to disrupt RNA splicing. Variants that disrupt the donor or acceptor splice site typically lead to a loss of protein function (PMID: 16199547), and loss-of-function variants in RECQL4 are known to be pathogenic (PMID: 12734318, 12952869).

Literature cited by the submitters: PubMed 16199547; PubMed 12734318; PubMed 12952869.

NM_004260.4(RECQL4):c.1131+1G>A

Gene: RECQL4 (RecQ like helicase 4; minus strand). Cytogenetic location: 8q24.3.
Variant type: single nucleotide variant.
Coding change: c.1131+1G>A on transcript NM_004260.4 (MANE Select); the canonical splice donor site of the intron after coding-DNA position 1131, G replaced by A.
Molecular consequence: splice donor variant.
Genome position (GRCh38, 1-based): chr8:144,515,987, C>T on the plus strand (G>A on the coding strand, the complement: RECQL4 is on the minus strand). VCF-style: chr8-144515987-C-T. GRCh37 (hg19) VCF-style: chr8-145741371-C-T.
Other names: c.1002+1G>A (NM_001413025.1); c.780+1G>A (NM_001413029.1); c.-3+1G>A (NM_001413032.1, NM_001413027.1, NM_001413031.1 and 2 more transcripts); c.60+1G>A (NM_001413035.1, NM_001413040.1, NM_001413021.1 and 8 more transcripts); c.1035+1G>A (NM_001413017.1, NM_001413020.1); c.1131+1G>A (NM_001413039.1, NM_001413033.1, NM_001413018.1 and 2 more transcripts); c.-210+1G>A (NM_001413043.1).
Identifiers: ClinVar variation 528938 (VCV000528938.8), dbSNP rs1050860620, ClinGen allele CA372687922.
Genomic context (GRCh38, chr8:144,515,987, plus strand): 5'-AAATACGGGAGGGCTGAGGGGAGGGAAAGGGAATGCCTGTCCTGGCCCGTCGCTGTCTTA[C>T]CTGCTTGCGGAGGAGCCTGCTACGGAGTGCCCGGCCCCGCACGTAGTGTTTCTGCTTCAT-3'